The following is an entry in ClinVar:

ClinVar aggregate classification (germline): Uncertain significance (1 of 4 stars; one submission).

Conditions:
Dystonia 12 (DYT12). Also called: Rapid-Onset Dystonia-Parkinsonism (RDP); DYT-ATP1A3. Identifiers: Orphanet 71517, MedGen C1868681, MONDO:0007496, OMIM 128235.

Submission:

Labcorp Genetics (formerly Invitae), Labcorp
Classification: Uncertain significance for Dystonia 12. Last evaluated: 2024-07-31. Review status: criteria provided, single submitter. Criteria: Invitae Variant Classification Sherloc (09022015). Collection method: clinical testing. Allele origin: germline.
Comment: This sequence change falls in intron 19 of the ATP1A3 gene. It does not directly change the encoded amino acid sequence of the ATP1A3 protein. It affects a nucleotide within the consensus splice site. This variant is not present in population databases (gnomAD no frequency). This variant has not been reported in the literature in individuals affected with ATP1A3-related conditions. Variants that disrupt the consensus splice site are a relatively common cause of aberrant splicing (PMID: 17576681, 9536098). Algorithms developed to predict the effect of sequence changes on RNA splicing suggest that this variant is not likely to affect RNA splicing. In summary, the available evidence is currently insufficient to determine the role of this variant in disease. Therefore, it has been classified as a Variant of Uncertain Significance.

Literature cited by the submitters: PubMed 17576681; PubMed 9536098.

NM_152296.5(ATP1A3):c.2689-3C>T

Gene: ATP1A3 (ATPase Na+/K+ transporting subunit alpha 3; minus strand). Cytogenetic location: 19q13.2.
Variant type: single nucleotide variant.
Coding change: c.2689-3C>T on transcript NM_152296.5 (MANE Select); 3 bases into the intron before coding-DNA position 2689, C replaced by T.
Molecular consequence: intron variant.
Genome position (GRCh38, 1-based): chr19:41,968,918, G>A on the plus strand (C>T on the coding strand, the complement: ATP1A3 is on the minus strand). VCF-style: chr19-41968918-G-A. GRCh37 (hg19) VCF-style: chr19-42473070-G-A.
Other names: c.2728-3C>T (NM_001256214.2); c.2722-3C>T (NM_001256213.2).
Identifiers: ClinVar variation 3661044 (VCV003661044.2).
Genomic context (GRCh38, chr19:41,968,918, plus strand): 5'-TGCTCACAAAGAAGGCCGTGTGGCAGGTGAACTCCACCACCTTCCTCTGCTCGTATGTCT[G>A]CAGGAGCGGTGACCAGGGCACGGGACGTCAGTTAGTGGCACTGCAGCCCTAGCCGCCACC-3'